The following is an entry in ClinVar:

NM_015335.5(MED13L):c.969G>A (p.Met323Ile)

Gene: MED13L (mediator complex subunit 13L; minus strand). Cytogenetic location: 12q24.21.
Variant type: single nucleotide variant.
Coding change: c.969G>A on transcript NM_015335.5 (MANE Select); coding-DNA position 969, G replaced by A.
Protein change: p.Met323Ile; replaces methionine 323 with isoleucine.
Molecular consequence: missense variant.
Genome position (GRCh38, 1-based): chr12:116,019,264, C>T on the plus strand (G>A on the coding strand, the complement: MED13L is on the minus strand). VCF-style: chr12-116019264-C-T. GRCh37 (hg19) VCF-style: chr12-116457069-C-T.
Other names: short protein forms M323I.
Identifiers: ClinVar variation 972387 (VCV000972387.18), dbSNP rs141207031, ClinGen allele CA6811543.

ClinVar aggregate classification (germline): Likely benign. Review status: criteria provided, multiple submitters, no conflicts (2 of 4 stars). 6 submissions from 6 submitters: Likely benign (3). 3 of the submissions do not count toward it. Last evaluated 2026-01-13.

Conditions:
Inborn genetic diseases. Identifiers: MedGen C0950123, MeSH D030342.
Dextro-looped transposition of the great arteries. Also called: Dextrotransposition of the great arteries. Identifiers: Orphanet 860, MedGen C3531771, MONDO:0019443, OMIM 608808, HP:0031348.
MED13L-related disorder. Also called: MED13L-related condition.

Allele frequency attached by ClinVar (database versions not stated): ExAC 0.00007; gnomAD exomes 0.00013 and 0.00027; ESP Exome Variant Server 0.00015; 1000 Genomes Project 30x 0.00016; gnomAD 0.00016 and 0.00017; TOPMed 0.00018; 1000 Genomes Project 0.00020.
gnomAD v4.1: 408 of 1,613,944 alleles (0.025%); highest among the groups gnomAD compares: Non-Finnish European, 0.034%; no homozygotes.

Submissions (6):

Labcorp Genetics (formerly Invitae), Labcorp
Classification: Likely benign for Dextro-looped transposition of the great arteries. Last evaluated: 2026-01-13. Review status: criteria provided, single submitter. Criteria: Invitae Variant Classification Sherloc (09022015). Collection method: clinical testing. Allele origin: germline.

Ambry Genetics
Classification: Likely benign for Inborn genetic diseases. Last evaluated: 2022-08-30. Review status: criteria provided, single submitter. Criteria: Ambry Variant Classification Scheme 2023. Collection method: clinical testing. Allele origin: germline.

Breakthrough Genomics
Classification: Likely benign. Review status: criteria provided, single submitter. Criteria: ACMG Guidelines, 2015. Collection method: not provided. Allele origin: germline. Inheritance: Autosomal dominant inheritance. Affected: yes.

PreventionGenetics, part of Exact Sciences
Classification: Likely benign for MED13L-related condition. Last evaluated: 2021-06-01. Review status: no assertion criteria provided. Collection method: clinical testing. Allele origin: germline. Not counted in ClinVar's aggregate classification.
Comment: This variant is classified as likely benign based on ACMG/AMP sequence variant interpretation guidelines (Richards et al. 2015 PMID: 25741868, with internal and published modifications).

Diagnostic Laboratory, Department of Genetics, University Medical Center Groningen
Classification: Likely benign. Review status: no assertion criteria provided. Collection method: clinical testing. Allele origin: germline. Affected: yes. Study: VKGL Data-share Consensus. Not counted in ClinVar's aggregate classification.

Laboratory of Diagnostic Genome Analysis, Leiden University Medical Center (LUMC)
Classification: Likely benign. Review status: no assertion criteria provided. Collection method: clinical testing. Allele origin: germline. Affected: yes. Study: VKGL Data-share Consensus. Not counted in ClinVar's aggregate classification.